The following is an entry in ClinVar:

NM_000222.3(KIT):c.881A>G (p.Asn294Ser)

Gene: KIT (KIT proto-oncogene, receptor tyrosine kinase; plus strand). Cytogenetic location: 4q12.
Variant type: single nucleotide variant.
Coding change: c.881A>G on transcript NM_000222.3 (MANE Select); coding-DNA position 881, A replaced by G.
Protein change: p.Asn294Ser; replaces asparagine 294 with serine.
Molecular consequence: missense variant.
Genome position (GRCh38, 1-based): chr4:54,703,848, A>G. VCF-style: chr4-54703848-A-G. GRCh37 (hg19) VCF-style: chr4-55570014-A-G.
Other names: c.881A>G, p.Asn294Ser (NM_001093772.2, NM_001385285.1, NM_001385286.1); c.884A>G, p.Asn295Ser (NM_001385284.1, NM_001385288.1, NM_001385290.1 and 1 more transcripts); short protein forms N294S, N295S.
Identifiers: ClinVar variation 838476 (VCV000838476.14), dbSNP rs1019104358, ClinGen allele CA96852857.

ClinVar aggregate classification (germline): Uncertain significance. Review status: criteria provided, multiple submitters, no conflicts (2 of 4 stars). 4 submissions from 4 submitters: Uncertain significance (4). Last evaluated 2026-01-21.

Conditions:
KIT-related disorder. Also called: KIT-related condition.
Gastrointestinal stromal tumor. Also called: Gastrointestinal stromal tumor, somatic; Gastrointestinal stroma tumor. Identifiers: Orphanet 44890, MedGen C0238198, MeSH D046152, MONDO:0011719, OMIM 606764, HP:0100723.
Hereditary cancer-predisposing syndrome. Also called: Neoplastic Syndromes, Hereditary; Hereditary Cancer Syndrome; Tumor predisposition; Hereditary neoplastic syndrome. Identifiers: Orphanet 140162, MedGen C0027672, MeSH D009386, MONDO:0015356.

Submissions (4):

Ambry Genetics
Classification: Uncertain significance for Hereditary cancer-predisposing syndrome. Last evaluated: 2026-01-21. Review status: criteria provided, single submitter. Criteria: Ambry Variant Classification Scheme 2023. Collection method: clinical testing. Allele origin: germline.
Comment: The p.N294S variant (also known as c.881A>G), located in coding exon 5 of the KIT gene, results from an A to G substitution at nucleotide position 881. The asparagine at codon 294 is replaced by serine, an amino acid with highly similar properties. This amino acid position is highly conserved in available vertebrate species. In addition, the in silico prediction for this alteration is inconclusive. Based on the available evidence, the clinical significance of this variant remains unclear.

Labcorp Genetics (formerly Invitae), Labcorp
Classification: Uncertain significance for Gastrointestinal stromal tumor. Last evaluated: 2025-08-11. Review status: criteria provided, single submitter. Criteria: Invitae Variant Classification Sherloc (09022015). Collection method: clinical testing. Allele origin: germline.
Comment: This sequence change replaces asparagine, which is neutral and polar, with serine, which is neutral and polar, at codon 294 of the KIT protein (p.Asn294Ser). This variant is not present in population databases (gnomAD no frequency). This variant has not been reported in the literature in individuals affected with KIT-related conditions. ClinVar contains an entry for this variant (Variation ID: 838476). An algorithm developed to predict the effect of missense changes on protein structure and function (PolyPhen-2) suggests that this variant is likely to be disruptive. In summary, the available evidence is currently insufficient to determine the role of this variant in disease. Therefore, it has been classified as a Variant of Uncertain Significance.

PreventionGenetics, part of Exact Sciences
Classification: Uncertain significance for KIT-related condition. Last evaluated: 2025-04-30. Review status: criteria provided, single submitter. Criteria: ACMG Guidelines, 2015. Collection method: clinical testing. Allele origin: germline.
Comment: The KIT c.881A>G variant is predicted to result in the amino acid substitution p.Asn294Ser. To our knowledge, this variant has not been reported in the literature or in a large population database (gnomAD), indicating this variant is rare. This variant is interpreted as uncertain in ClinVar. At this time, the clinical significance of this variant is uncertain due to the absence of conclusive functional and genetic evidence.

Baylor Genetics
Classification: Uncertain significance for Gastrointestinal stromal tumor. Last evaluated: 2023-11-26. Review status: criteria provided, single submitter. Criteria: ACMG Guidelines, 2015. Collection method: clinical testing. Allele origin: unknown.